The following is an entry in ClinVar:

ClinVar aggregate classification (germline): Uncertain significance. Review status: criteria provided, multiple submitters, no conflicts (2 of 4 stars). 4 submissions from 3 submitters: Uncertain significance (3). 1 of the submissions does not count toward it. Last evaluated 2026-08-03.

Conditions:
Palmoplantar keratodermas.
Ichthyosis and erythrokeratoderma.
Autosomal recessive congenital ichthyosis 5 (ARCI5). Also called: Ichthyosis, nonlamellar and nonerythrodermic, congenital, autosomal recessive; ICHTHYOSIS CONGENITA III. Identifiers: Orphanet 313, MedGen C1858133, MONDO:0011485, OMIM 604777.

Allele frequency attached by ClinVar (database versions not stated): TOPMed 0.00003; gnomAD exomes 0.00001; ExAC 0.00001; gnomAD 0.00003.

Submissions (4):

Genetics Laboratory, Great Ormond Street Hospital NHS Foundation Trust, North Thames Genomic Laboratory Hub
Classification: Uncertain significance for Ichthyosis and erythrokeratoderma. Last evaluated: 2026-08-03. Review status: criteria provided, single submitter. Criteria: ACGS Best Practice Guidelines for Variant Classification in Rare Disease 2024 v1.2. Collection method: clinical testing. Allele origin: germline. Affected: yes.
Comment: PS4_supporting, PM2_moderate, PM3_moderate

Genetics Laboratory, Great Ormond Street Hospital NHS Foundation Trust, North Thames Genomic Laboratory Hub
Classification: Uncertain significance for Palmoplantar keratodermas. Last evaluated: 2026-08-03. Review status: criteria provided, single submitter. Criteria: ACGS Best Practice Guidelines for Variant Classification in Rare Disease 2024 v1.2. Collection method: clinical testing. Allele origin: germline. Affected: yes.
Comment: the same text as in the submission from Genetics Laboratory, Great Ormond Street Hospital NHS Foundation Trust, North Thames Genomic Laboratory Hub above.

Dasa
Classification: Uncertain significance. Last evaluated: 2025-07-19. Review status: criteria provided, single submitter. Criteria: DASA Assertion Criteria. Collection method: clinical testing. Allele origin: germline.
Comment: NM_173483.4(CYP4F22):c.847C>T (p.Arg283Trp) is a missense variant that results in the substitution of arginine with tryptophan. This variant is rare in population databases. The currently available literature and clinical evidence are not sufficient to establish a definitive association between this variant and the reported condition. Therefore, this variant is classified as a variant of uncertain significance.

Institute for Human Genetics, University Medical Center Freiburg
Classification: Pathogenic for Autosomal recessive congenital ichthyosis 5. Last evaluated: 2018-04-23. Review status: no assertion criteria provided. Collection method: clinical testing. Allele origin: germline. Affected: yes. Not counted in ClinVar's aggregate classification.

Literature cited by the submitters: PubMed 30011118 (cited by Institute for Human Genetics, University Medical Center Freiburg).

NM_173483.4(CYP4F22):c.847C>T (p.Arg283Trp)

Gene: CYP4F22 (cytochrome P450 family 4 subfamily F member 22; plus strand). Cytogenetic location: 19p13.12.
Variant type: single nucleotide variant.
Coding change: c.847C>T on transcript NM_173483.4 (MANE Select); coding-DNA position 847, C replaced by T.
Protein change: p.Arg283Trp; replaces arginine 283 with tryptophan.
Molecular consequence: missense variant.
Genome position (GRCh38, 1-based): chr19:15,540,625, C>T. VCF-style: chr19-15540625-C-T. GRCh37 (hg19) VCF-style: chr19-15651436-C-T.
Other names: short protein forms R283W.
Identifiers: ClinVar variation 560311 (VCV000560311.5), dbSNP rs755885838, ClinGen allele CA9269714.
Genomic context (GRCh38, chr19:15,540,625, plus strand): 5'-AGGTTCCGGCAGGCCTGTGACATGGTGCACCACTTCACCACTGAAGTCATCCAGGAACGG[C>T]GGCGGGCACTGCGTCAGCAGGGGGCCGAGGCCTGGCTTAAGGCCAAGCAGGGGAAGACCT-3'
Protein context (NP_775754.2, residues 273-293): HFTTEVIQER[Arg283Trp]RALRQQGAEA